The following is an entry in ClinVar:

ClinVar aggregate classification (germline): Uncertain significance (1 of 4 stars; one submission).

Submission:

Labcorp Genetics (formerly Invitae), Labcorp
Classification: Uncertain significance. Last evaluated: 2022-10-17. Review status: criteria provided, single submitter. Criteria: Invitae Variant Classification Sherloc (09022015). Collection method: clinical testing. Allele origin: germline.
Comment: This sequence change falls in intron 8 of the ERCC6 gene. It does not directly change the encoded amino acid sequence of the ERCC6 protein. Information on the frequency of this variant in the gnomAD database is not available, as this variant may be reported differently in the database. This variant has not been reported in the literature in individuals affected with ERCC6-related conditions. In summary, the available evidence is currently insufficient to determine the role of this variant in disease. Therefore, it has been classified as a Variant of Uncertain Significance.

NM_000124.4(ERCC6):c.1821+6_1821+7inv

Gene: ERCC6 (ERCC excision repair 6, chromatin remodeling factor; minus strand). Cytogenetic location: 10q11.23.
Variant type: Inversion.
Coding change: c.1821+6_1821+7inv on transcript NM_000124.4 (MANE Select).
Molecular consequence: intron variant.
Genome position: GRCh38 VCF-style: chr10-49493110-GT-AC. GRCh37 (hg19) VCF-style: chr10-50701156-GT-AC.
Other names: c.1821+6_1821+7inv (NM_001346440.2).
Identifiers: ClinVar variation 2157535 (VCV002157535.1), ClinGen allele CA2580081533.